The following is an entry in ClinVar:

ClinVar aggregate classification (germline): Pathogenic (1 of 4 stars; one submission).

Conditions:
Joubert syndrome. Also called: CEREBELLOPARENCHYMAL DISORDER IV; JOUBERT-BOLTSHAUSER SYNDROME; Familial aplasia of the vermis. Identifiers: Orphanet 475, MedGen C5979921, MONDO:0018772.
Nephronophthisis. Also called: Juvenile Nephronophthisis. Identifiers: Orphanet 655, MedGen C0687120, MONDO:0019005, HP:0000090.
Meckel-Gruber syndrome. Also called: DYSENCEPHALIA SPLANCHNOCYSTICA; GRUBER SYNDROME; Dysencephalia splachnocystica. Identifiers: Orphanet 564, MedGen C0265215, MONDO:0018921.

Submission:

Labcorp Genetics (formerly Invitae), Labcorp
Classification: Pathogenic for Joubert syndrome; Meckel-Gruber syndrome; Nephronophthisis. Last evaluated: 2023-01-17. Review status: criteria provided, single submitter. Criteria: Invitae Variant Classification Sherloc (09022015). Collection method: clinical testing. Allele origin: germline.
Comment: This sequence change creates a premature translational stop signal (p.Met602Argfs*15) in the CEP290 gene. It is expected to result in an absent or disrupted protein product. Loss-of-function variants in CEP290 are known to be pathogenic (PMID: 16909394, 17345604, 20690115). For these reasons, this variant has been classified as Pathogenic. Algorithms developed to predict the effect of sequence changes on RNA splicing suggest that this variant may disrupt the consensus splice site. This variant has not been reported in the literature in individuals affected with CEP290-related conditions. This variant is not present in population databases (gnomAD no frequency).

Literature cited by the submitters: PubMed 16909394; PubMed 17345604; PubMed 20690115.

NM_025114.4(CEP290):c.1805del (p.Met602fs)

Gene: CEP290 (centrosomal protein 290; minus strand). Cytogenetic location: 12q21.32.
Variant type: Deletion.
Coding change: c.1805del on transcript NM_025114.4 (MANE Select); coding-DNA position 1805, one base deleted (T; older notation c.1805delT).
Protein change: p.Met602fs; shifts the reading frame from methionine 602.
Molecular consequence: frameshift variant.
Genome position (GRCh38, 1-based): chr12:88,117,052, A deleted on the plus strand (T on the coding strand, the reverse complement: CEP290 is on the minus strand). VCF-style (leftmost placement, unchanged base first): chr12-88117051-CA-C. GRCh37 (hg19) VCF-style: chr12-88510828-CA-C.
Other names: short protein forms M602fs.
Identifiers: ClinVar variation 2943330 (VCV002943330.3), dbSNP rs2500866381, ClinGen allele CA2740092509.
Genomic context (GRCh38, chr12:88,117,051, plus strand): 5'-AAAATATTTTCCTTTACTCTCTTTGCAATACTTTACTATTACCTTTGATTGTGCTTCACT[CA>C]TATTTTTGAGGCTCAATAAATCCAATTTTCTTTCACTTATTCTATCTCCTTGAGAAATGT-3'